The following is an entry in ClinVar:

NM_000092.5(COL4A4):c.1433G>A (p.Gly478Glu)

Gene: COL4A4 (collagen type IV alpha 4 chain; minus strand). Cytogenetic location: 2q36.3.
Variant type: single nucleotide variant.
Coding change: c.1433G>A on transcript NM_000092.5 (MANE Select); coding-DNA position 1433, G replaced by A.
Protein change: p.Gly478Glu; replaces glycine 478 with glutamic acid.
Molecular consequence: missense variant.
Genome position (GRCh38, 1-based): chr2:227,089,894, C>T on the plus strand (G>A on the coding strand, the complement: COL4A4 is on the minus strand). VCF-style: chr2-227089894-C-T. GRCh37 (hg19) VCF-style: chr2-227954610-C-T.
Other names: p.(Gly478Glu); short protein forms G478E.
Identifiers: ClinVar variation 2203274 (VCV002203274.8), dbSNP rs781479400, ClinGen allele CA2145168.

ClinVar aggregate classification (germline): Pathogenic/Likely pathogenic. Review status: criteria provided, multiple submitters, no conflicts (2 of 4 stars). 6 submissions from 5 submitters: Pathogenic (1); Likely pathogenic (5). Last evaluated 2026-04-29.

Conditions:
Autosomal recessive Alport syndrome (ATS2). Also called: ALPORT SYNDROME 2, AUTOSOMAL RECESSIVE; Alport syndrome type 2; COL4A3-Related Nephropathy; COL4A4 Alport Syndrome and Thin Basement Membrane Nephropathy. Identifiers: Orphanet 63, Orphanet 88919, MedGen C4746745, MONDO:0008762, OMIM 203780.
Autosomal dominant Alport syndrome (ATS3A). Also called: ALPORT SYNDROME 3A, AUTOSOMAL DOMINANT; Alport syndrome dominant type; Renal failure and sensorineural hearing loss. Identifiers: Orphanet 63, Orphanet 88918, MedGen C5882663, MONDO:0007086, OMIM 104200.
Alport syndrome. Also called: Hemorrhagic familial nephritis; Hemorrhagic hereditary nephritis; Congenital hereditary hematuria. Identifiers: Orphanet 63, MedGen C1567741, MONDO:0018965.
COL4A4-related disorder.

Allele frequency attached by ClinVar (database versions not stated): gnomAD exomes below 0.00001; ExAC 0.00001.
gnomAD v4.1: 1 of 1,613,700 alleles (0.000062%); highest among the groups gnomAD compares: Non-Finnish European, 0.000085%; no homozygotes.

Submissions (6):

Centre de Génétique Humaine, Institut de Pathologie Et de Génétique
Classification: Likely pathogenic for Autosomal recessive Alport syndrome. Last evaluated: 2026-04-29. Review status: criteria provided, single submitter. Criteria: ACMG Guidelines, 2015. Collection method: clinical testing. Allele origin: biparental. Inheritance: Autosomal recessive inheritance. Affected: yes. Observed: 1 variant allele, 1 homozygote. Segregation with disease observed.
Comment: This missense variant involves a highly conserved glycine located in a ‘Gly-X-Y’ motif in collagenous region, which is characteristic of the pathogenic variants identified in the COL4A4 gene (PM1,PP2). This variant is rare: absent in gnomAD v4.1.0 database (PM2). In silico analysis supports that this missense variant has a deleterious effect (PP3). Variant described in patient with AR or AD AS (PP5).

Centre de Génétique Humaine, Institut de Pathologie Et de Génétique
Classification: Likely pathogenic for Autosomal dominant Alport syndrome. Last evaluated: 2026-04-29. Review status: criteria provided, single submitter. Criteria: ACMG Guidelines, 2015. Collection method: clinical testing. Allele origin: inherited, paternal, maternal. Inheritance: Autosomal dominant inheritance. Affected: yes. Observed: 3 variant alleles, 3 heterozygotes. Clinical features observed: Microscopic hematuria (HP:0002907), Proteinuria (HP:0000093), Stage 5 chronic kidney disease (HP:0003774), Severe albuminuria (HP:0033066), Hypertensive disorder (HP:0000822). Segregation with disease observed.
Comment: the same text as in the submission from Centre de Génétique Humaine, Institut de Pathologie Et de Génétique above.

Natera, Inc.
Classification: Likely pathogenic for Alport syndrome. Last evaluated: 2025-08-29. Review status: criteria provided, single submitter. Criteria: Natera Variant Classification Schema (03/2026). Collection method: clinical testing. Allele origin: germline.
Comment: The c.1433G>A variant in COL4A4 is a missense variant predicted to cause substitution of glycine to glutamic acid at amino acid 478. This variant is rare in the general population with a frequency below the threshold expected for the associated phenotype(s). This variant is located in a functionally critical region of the protein. Computational prediction algorithms indicate this variant is likely to affect gene or protein function. Given the available evidence, this variant is classified as Likely Pathogenic.

Myriad Genetics, Inc.
Classification: Pathogenic for Alport syndrome. Last evaluated: 2025-06-03. Review status: criteria provided, single submitter. Criteria: Myriad Autosomal Dominant, Autosomal Recessive and X-Linked Classification Criteria (2023). Collection method: clinical testing. Allele origin: unknown.
Comment: NM_000092.4(COL4A4):c.1433G>A(G478E) is a missense variant classified as pathogenic in the context of Alport syndrome, COL4A4-related. G478E has been observed in cases with relevant disease (PMID: 35372954, 16338941). Relevant functional assessments of this variant are not available in the literature. Internal structural analysis of the variant is supportive of pathogenicity. G478E has not been observed in referenced population frequency databases. In summary, NM_000092.4(COL4A4):c.1433G>A(G478E) is a missense variant that has internal structural support for pathogenicity and has been observed more frequently in cases with the relevant disease than in healthy populations. Please note: this variant was assessed in the context of healthy population screening.

Labcorp Genetics (formerly Invitae), Labcorp
Classification: Likely pathogenic. Last evaluated: 2022-07-11. Review status: criteria provided, single submitter. Criteria: Invitae Variant Classification Sherloc (09022015). Collection method: clinical testing. Allele origin: germline.
Comment: This sequence change replaces glycine, which is neutral and non-polar, with glutamic acid, which is acidic and polar, at codon 478 of the COL4A4 protein (p.Gly478Glu). This variant is not present in population databases (gnomAD no frequency). This missense change has been observed in individual(s) with Alport syndrome (PMID: 16338941). It has also been observed to segregate with disease in related individuals. Advanced modeling of protein sequence and biophysical properties (such as structural, functional, and spatial information, amino acid conservation, physicochemical variation, residue mobility, and thermodynamic stability) performed at Invitae indicates that this missense variant is expected to disrupt COL4A4 protein function. In summary, the currently available evidence indicates that the variant is pathogenic, but additional data are needed to prove that conclusively. Therefore, this variant has been classified as Likely Pathogenic.

Blueprint Genetics
Classification: Likely pathogenic for COL4A4-related disorders. Last evaluated: 2019-03-04. Review status: criteria provided, single submitter. Criteria: ACMG Guidelines, 2015. Collection method: clinical testing. Allele origin: germline. Affected: yes. Observed: 2 variant alleles.

Literature cited by the submitters: PubMed 16338941 (cited by 3 submitters); PubMed 35372954 (cited by Centre de Génétique Humaine, Institut de Pathologie Et de Génétique and Myriad Genetics, Inc.).